The following is an entry in ClinVar:

ClinVar aggregate classification (germline): Pathogenic (1 of 4 stars; one submission).

Conditions:
Bardet-Biedl syndrome (BBS). Identifiers: Orphanet 110, MedGen C0752166, MONDO:0015229.

Submission:

Labcorp Genetics (formerly Invitae), Labcorp
Classification: Pathogenic for Bardet-Biedl syndrome. Last evaluated: 2023-08-17. Review status: criteria provided, single submitter. Criteria: Invitae Variant Classification Sherloc (09022015). Collection method: clinical testing. Allele origin: germline.
Comment: This variant results in the deletion of part of exon 2 (c.134_*46456delins23) of the TRIM32 gene. While this deletion is not anticipated to lead to nonsense mediated decay, it is expected to alter mRNA translation or result in a truncated protein product. This variant has not been reported in the literature in individuals affected with TRIM32-related conditions. This variant disrupts a region of the TRIM32 protein in which other variant(s) (p.Val591Met) have been determined to be pathogenic (PMID: 30823891). This suggests that this is a clinically significant region of the protein, and that variants that disrupt it are likely to be disease-causing. For these reasons, this variant has been classified as Pathogenic.

Literature cited by the submitters: PubMed 30823891.

NC_000009.11:g.(?_119460155)_(119508439_?)del

Genes: ASTN2 (astrotactin 2; minus strand), TRIM32 (tripartite motif containing 32; plus strand). Cytogenetic location: 9q33.1.
Variant type: Deletion.
Identifiers: ClinVar variation 1460307 (VCV001460307.5).